The following is an entry in ClinVar:

NM_002890.3(RASA1):c.1413T>G (p.Phe471Leu)

Genes: CCNH (cyclin H; minus strand), RASA1 (RAS p21 protein activator 1; plus strand). Cytogenetic location: 5q14.3.
Variant type: single nucleotide variant.
Coding change: c.1413T>G on transcript NM_002890.3 (MANE Select); coding-DNA position 1413, T replaced by G.
Protein change: p.Phe471Leu; replaces phenylalanine 471 with leucine.
Molecular consequence: missense variant. On other transcripts: intron variant (1).
Genome position (GRCh38, 1-based): chr5:87,362,631, T>G. VCF-style: chr5-87362631-T-G. GRCh37 (hg19) VCF-style: chr5-86658448-T-G.
Other names: c.882T>G, p.Phe294Leu (NM_022650.3); c.933+32413A>C (NM_001364075.2); short protein forms F294L, F471L.
Identifiers: ClinVar variation 4731269 (VCV004731269.1).
Genomic context (GRCh38, chr5:87,362,631, plus strand): 5'-TGACACAGTGGATGGCAAGGAAATCTATAATACCATCCGTCGTAAAACAAAGGATGCCTT[T>G]TATAAAAACATTGTTAAGAAAGGTTATCTTCTGAAAAAGGGTAAGTTCAGACTTTTATCA-3'
Protein context (NP_002881.1, residues 461-481): NTIRRKTKDA[Phe471Leu]YKNIVKKGYL

ClinVar aggregate classification (germline): Uncertain significance (1 of 4 stars; one submission).

Conditions:
Capillary malformation-arteriovenous malformation syndrome. Also called: Capillary malformation-arteriovenous malformation. Identifiers: Orphanet 137667, MedGen C1842180, MONDO:0012016.

Submission:

Labcorp Genetics (formerly Invitae), Labcorp
Classification: Uncertain significance for Capillary malformation-arteriovenous malformation syndrome. Last evaluated: 2025-11-27. Review status: criteria provided, single submitter. Criteria: Invitae Variant Classification Sherloc (09022015). Collection method: clinical testing. Allele origin: germline.
Comment: This sequence change replaces phenylalanine, which is neutral and non-polar, with leucine, which is neutral and non-polar, at codon 471 of the RASA1 protein (p.Phe471Leu). This variant is not present in population databases (gnomAD no frequency). This variant has not been reported in the literature in individuals affected with RASA1-related conditions. An algorithm developed to predict the effect of missense changes on protein structure and function (PolyPhen-2) suggests that this variant is likely to be disruptive. In summary, the available evidence is currently insufficient to determine the role of this variant in disease. Therefore, it has been classified as a Variant of Uncertain Significance.